The following is an entry in ClinVar:

ClinVar aggregate classification (germline): Uncertain significance. Review status: criteria provided, multiple submitters, no conflicts (2 of 4 stars). 2 submissions from 2 submitters: Uncertain significance (2). Last evaluated 2025-02-18.

gnomAD v4.1: 36 of 1,601,042 alleles (0.0022%); highest among the groups gnomAD compares: African/African-American, 0.03%; no homozygotes.

Submissions (2):

Ambry Genetics
Classification: Uncertain significance. Last evaluated: 2025-02-18. Review status: criteria provided, single submitter. Criteria: Ambry Variant Classification Scheme 2023. Collection method: clinical testing. Allele origin: germline.

Labcorp Genetics (formerly Invitae), Labcorp
Classification: Uncertain significance. Last evaluated: 2024-01-20. Review status: criteria provided, single submitter. Criteria: Invitae Variant Classification Sherloc (09022015). Collection method: clinical testing. Allele origin: germline.
Comment: This sequence change replaces valine, which is neutral and non-polar, with isoleucine, which is neutral and non-polar, at codon 449 of the AGAP1 protein (p.Val449Ile). The frequency data for this variant in the population databases is considered unreliable, as metrics indicate poor data quality at this position in the gnomAD database. This variant has not been reported in the literature in individuals affected with AGAP1-related conditions. An algorithm developed to predict the effect of missense changes on protein structure and function (PolyPhen-2) suggests that this variant is likely to be tolerated. In summary, the available evidence is currently insufficient to determine the role of this variant in disease. Therefore, it has been classified as a Variant of Uncertain Significance.

NM_001037131.3(AGAP1):c.1504G>A (p.Val502Ile)

Gene: AGAP1 (ArfGAP with GTPase domain, ankyrin repeat and PH domain 1; plus strand). Cytogenetic location: 2q37.2.
Variant type: single nucleotide variant.
Coding change: c.1504G>A on transcript NM_001037131.3 (MANE Select); coding-DNA position 1504, G replaced by A.
Protein change: p.Val502Ile; replaces valine 502 with isoleucine.
Molecular consequence: missense variant.
Genome position (GRCh38, 1-based): chr2:235,968,482, G>A. VCF-style: chr2-235968482-G-A. GRCh37 (hg19) VCF-style: chr2-236877126-G-A.
Other names: c.1345G>A, p.Val449Ile (NM_014914.5); c.1504G>A (NM_001037131.2); short protein forms V449I, V502I.
Identifiers: ClinVar variation 2883290 (VCV002883290.4), dbSNP rs776505497, ClinGen allele CA67725110.